The following is an entry in ClinVar:

ClinVar aggregate classification (germline): Benign/Likely benign. Review status: criteria provided, multiple submitters, no conflicts (2 of 4 stars). 4 submissions from 4 submitters: Benign (1); Likely benign (2). 1 of the submissions does not count toward it. Last evaluated 2026-02-01.

Conditions:
RECQL4-related disorder. Also called: RECQL4-related condition; RECQL4-related disorders.
Inborn genetic diseases. Identifiers: MedGen C0950123, MeSH D030342.
Baller-Gerold syndrome (BGS). Also called: CRANIOSYNOSTOSIS WITH RADIAL DEFECTS. Identifiers: Orphanet 1225, MedGen C0265308, MONDO:0009039, OMIM 218600.

Allele frequency attached by ClinVar (database versions not stated): gnomAD 0.00008; TOPMed 0.00010; 1000 Genomes Project 30x 0.00016; gnomAD exomes 0.00016 and 0.00006; ExAC 0.00027.
gnomAD v4.1: 103 of 1,594,490 alleles (0.0065%); highest among the groups gnomAD compares: East Asian, 0.19%; 1 homozygote.

Submissions (4):

Labcorp Genetics (formerly Invitae), Labcorp
Classification: Benign for Baller-Gerold syndrome. Last evaluated: 2026-02-01. Review status: criteria provided, single submitter. Criteria: Invitae Variant Classification Sherloc (09022015). Collection method: clinical testing. Allele origin: germline.

Ambry Genetics
Classification: Likely benign for Inborn genetic diseases. Last evaluated: 2024-11-26. Review status: criteria provided, single submitter. Criteria: Ambry Variant Classification Scheme 2023. Collection method: clinical testing. Allele origin: germline.

GeneDx
Classification: Likely benign. Last evaluated: 2017-10-23. Review status: criteria provided, single submitter. Criteria: GeneDx Variant Classification (06012015). Collection method: clinical testing. Allele origin: germline. Affected: yes.
Comment: This variant is considered likely benign or benign based on one or more of the following criteria: it is a conservative change, it occurs at a poorly conserved position in the protein, it is predicted to be benign by multiple in silico algorithms, and/or has population frequency not consistent with disease.

PreventionGenetics, part of Exact Sciences
Classification: Likely benign for RECQL4-related condition. Last evaluated: 2021-05-18. Review status: no assertion criteria provided. Collection method: clinical testing. Allele origin: germline. Not counted in ClinVar's aggregate classification.
Comment: This variant is classified as likely benign based on ACMG/AMP sequence variant interpretation guidelines (Richards et al. 2015 PMID: 25741868, with internal and published modifications).

NM_004260.4(RECQL4):c.171C>T (p.Gly57=)

Genes: RECQL4 (RecQ like helicase 4; minus strand), LOC130001411 (ATAC-STARR-seq lymphoblastoid silent region 19699; plus strand). Cytogenetic location: 8q24.3.
Variant type: single nucleotide variant.
Coding change: c.171C>T on transcript NM_004260.4 (MANE Select); coding-DNA position 171, C replaced by T.
Protein change: p.Gly57=; no amino-acid change (glycine 57 retained).
Molecular consequence: synonymous variant.
Genome position (GRCh38, 1-based): chr8:144,517,456, G>A on the plus strand (C>T on the coding strand, the complement: RECQL4 is on the minus strand). VCF-style: chr8-144517456-G-A. GRCh37 (hg19) VCF-style: chr8-145742840-G-A.
Identifiers: ClinVar variation 414185 (VCV000414185.14), dbSNP rs758179747, ClinGen allele CA4949468.